The following is an entry in ClinVar:

ClinVar aggregate classification (germline): Conflicting classifications of pathogenicity. Review status: criteria provided, conflicting classifications (1 of 4 stars). 6 submissions from 6 submitters: Uncertain significance (1); Likely benign (4). 1 of the submissions does not count toward it. Last evaluated 2026-01-19.

Conditions:
Fanconi anemia (FA). Also called: Fanconi's anemia. Identifiers: Orphanet 84, MedGen C0015625, MeSH D005199, MONDO:0019391.
FANCD2-related disorder. Also called: FANCD2-related condition.
Fanconi anemia complementation group D2. Also called: FANCD2-Related Fanconi Anemia; FANCONI PANCYTOPENIA, TYPE 4; FANCONI ANEMIA, COMPLEMENTATION GROUP D. Identifiers: Orphanet 84, MedGen C3160738, MONDO:0009214, OMIM 227646.

Allele frequency attached by ClinVar (database versions not stated): TOPMed 0.00016; gnomAD 0.00022 and 0.00023; 1000 Genomes Project 30x 0.00031; gnomAD exomes 0.00034 and 0.00039; 1000 Genomes Project 0.00040; ExAC 0.00043.

Submissions (6):

Labcorp Genetics (formerly Invitae), Labcorp
Classification: Likely benign for Fanconi anemia. Last evaluated: 2026-01-19. Review status: criteria provided, single submitter. Criteria: Invitae Variant Classification Sherloc (09022015). Collection method: clinical testing. Allele origin: germline.

CeGaT Center for Human Genetics Tuebingen
Classification: Likely benign. Last evaluated: 2025-11-01. Review status: criteria provided, single submitter. Criteria: CeGaT Center For Human Genetics Tuebingen Variant Classification Criteria Version 2. Collection method: clinical testing. Allele origin: germline. Affected: yes. Observed: 5 variant alleles.
Comment: FANCD2: BP4, BP7

Blueprint Genetics
Classification: Likely benign. Last evaluated: 2024-11-15. Review status: criteria provided, single submitter. Criteria: ACMG Guidelines, 2015. Collection method: clinical testing. Allele origin: germline.

Sema4
Classification: Likely benign for Fanconi anemia. Last evaluated: 2021-01-26. Review status: criteria provided, single submitter. Criteria: Sema4 Curation Guidelines. Collection method: curation. Allele origin: germline.

Illumina Laboratory Services, Illumina
Classification: Uncertain significance for Fanconi anemia complementation group D2. Last evaluated: 2018-01-13. Review status: criteria provided, single submitter. Criteria: ICSL Variant Classification Criteria 13 December 2019. Collection method: clinical testing. Allele origin: germline.

PreventionGenetics, part of Exact Sciences
Classification: Likely benign for FANCD2-related condition. Last evaluated: 2020-07-25. Review status: no assertion criteria provided. Collection method: clinical testing. Allele origin: germline. Not counted in ClinVar's aggregate classification.
Comment: This variant is classified as likely benign based on ACMG/AMP sequence variant interpretation guidelines (Richards et al. 2015 PMID: 25741868, with internal and published modifications).

NM_001018115.3(FANCD2):c.2181G>A (p.Pro727=)

Genes: FANCD2 (FA complementation group D2; plus strand), LOC107303338 (3p25 FANCD2 Alu-mediated recombination region; plus strand). Cytogenetic location: 3p25.3.
Variant type: single nucleotide variant.
Coding change: c.2181G>A on transcript NM_001018115.3 (MANE Select); coding-DNA position 2181, G replaced by A.
Protein change: p.Pro727=; no amino-acid change (proline 727 retained).
Molecular consequence: synonymous variant.
Genome position (GRCh38, 1-based): chr3:10,065,406, G>A. VCF-style: chr3-10065406-G-A. GRCh37 (hg19) VCF-style: chr3-10107090-G-A.
Other names: c.2181G>A (NM_001018115.2); c.2181G>A, p.Pro727= (NM_001319984.2, NM_001374254.1, NM_033084.6); c.2070G>A, p.Pro690= (NM_001374253.1).
Identifiers: ClinVar variation 342366 (VCV000342366.42), dbSNP rs560600678, ClinGen allele CA2249999.